The following is an entry in ClinVar:

NM_001136191.3(KANK2):c.1587C>T (p.Asn529=)

Gene: KANK2 (KN motif and ankyrin repeat domains 2; minus strand). Cytogenetic location: 19p13.2.
Variant type: single nucleotide variant.
Coding change: c.1587C>T on transcript NM_001136191.3 (MANE Select); coding-DNA position 1587, C replaced by T.
Protein change: p.Asn529=; no amino-acid change (asparagine 529 retained).
Molecular consequence: synonymous variant.
Genome position (GRCh38, 1-based): chr19:11,176,751, G>A on the plus strand (C>T on the coding strand, the complement: KANK2 is on the minus strand). VCF-style: chr19-11176751-G-A. GRCh37 (hg19) VCF-style: chr19-11287427-G-A.
Other names: c.1587C>T, p.Asn529= (NM_001329451.2, NM_001379555.1, NM_001379556.1 and 7 more transcripts); c.1611C>T, p.Asn537= (NM_001379548.1, NM_001379549.1, NM_001379550.1 and 5 more transcripts).
Identifiers: ClinVar variation 3029122 (VCV003029122.2), dbSNP rs753574619, ClinGen allele CA9205590.

ClinVar aggregate classification (germline): Likely benign (0 of 4 stars; one submission).

Conditions:
KANK2-related disorder. Also called: KANK2-related condition.

Allele frequency attached by ClinVar (database versions not stated): ExAC 0.00001; gnomAD exomes 0.00001; gnomAD 0.00007; TOPMed 0.00008.
gnomAD v4.1: 28 of 1,605,962 alleles (0.0017%); highest among the groups gnomAD compares: African/African-American, 0.028%; no homozygotes.

Submission:

PreventionGenetics, part of Exact Sciences
Classification: Likely benign for KANK2-related condition. Last evaluated: 2022-05-06. Review status: no assertion criteria provided. Collection method: clinical testing. Allele origin: germline.
Comment: This variant is classified as likely benign based on ACMG/AMP sequence variant interpretation guidelines (Richards et al. 2015 PMID: 25741868, with internal and published modifications).